The following is an entry in ClinVar:

ClinVar aggregate classification (germline): Uncertain significance (1 of 4 stars; one submission).

Conditions:
Dilated cardiomyopathy 1S (CMD1S). Identifiers: Orphanet 154, Orphanet 54260, MedGen C1834481, MONDO:0013262, OMIM 613426.

Allele frequency attached by ClinVar (database versions not stated): ExAC 0.00001; gnomAD exomes 0.00001 and 0.00002.
gnomAD v4.1: 9 of 1,614,098 alleles (0.00056%); highest among the groups gnomAD compares: Admixed American, 0.005%; no homozygotes.

Submission:

Laboratory of Medical Genetics, National & Kapodistrian University of Athens
Classification: Uncertain significance for Dilated cardiomyopathy 1S. Last evaluated: 2021-10-06. Review status: criteria provided, single submitter. Criteria: ACMG Guidelines, 2015. Collection method: clinical testing. Allele origin: unknown.
Comment: PM2, PP2, PP3

Literature cited by the submitters: PubMed 34008892.

NM_000257.4(MYH7):c.5283+1G>A

Genes: MYH7 (myosin heavy chain 7; minus strand), LOC126861897 (BRD4-independent group 4 enhancer GRCh37_chr14:23884455-23885654; plus strand). Cytogenetic location: 14q11.2.
Variant type: single nucleotide variant.
Coding change: c.5283+1G>A on transcript NM_000257.4 (MANE Select); the canonical splice donor site of the intron after coding-DNA position 5283, G replaced by A.
Molecular consequence: splice donor variant.
Genome position (GRCh38, 1-based): chr14:23,415,380, C>T on the plus strand (G>A on the coding strand, the complement: MYH7 is on the minus strand). VCF-style: chr14-23415380-C-T. GRCh37 (hg19) VCF-style: chr14-23884589-C-T.
Other names: c.5283+1G>A (NM_001407004.1).
Identifiers: ClinVar variation 1299602 (VCV001299602.1), dbSNP rs775803553, ClinGen allele CA045888.